The following is an entry in ClinVar:

ClinVar aggregate classification (germline): Uncertain significance. Review status: criteria provided, multiple submitters, no conflicts (2 of 4 stars). 5 submissions from 5 submitters: Uncertain significance (5). Last evaluated 2026-03-19.

Conditions:
BBS9-related disorder. Also called: BBS9-related condition.
Inborn genetic diseases. Identifiers: MedGen C0950123, MeSH D030342.
Bardet-Biedl syndrome (BBS). Identifiers: Orphanet 110, MedGen C0752166, MONDO:0015229.
Bardet-Biedl syndrome 9 (BBS9). Identifiers: Orphanet 110, MedGen C1859567, MONDO:0014437, OMIM 615986.

Allele frequency attached by ClinVar (database versions not stated): TOPMed 0.00014; ESP Exome Variant Server 0.00015; gnomAD exomes 0.00001 and 0.00005; ExAC 0.00002; gnomAD 0.00010 and 0.00011.
gnomAD v4.1: 30 of 1,614,054 alleles (0.0019%); highest among the groups gnomAD compares: African/African-American, 0.037%; no homozygotes.

Submissions (5):

PreventionGenetics, part of Exact Sciences
Classification: Uncertain significance for BBS9-related condition. Last evaluated: 2026-03-19. Review status: criteria provided, single submitter. Criteria: ACMG Guidelines, 2015. Collection method: clinical testing. Allele origin: germline.
Comment: The BBS9 c.2403A>G variant is predicted to result in the amino acid substitution p.Ile801Met. To our knowledge, this variant has not been reported in the literature. This variant is reported in 0.052% of alleles in individuals of African descent in gnomAD, which is likely too frequent to be a primary cause of disease. Although we suspect that this variant may be benign, at this time, the clinical significance of this variant is uncertain due to the absence of conclusive functional and genetic evidence.

Ambry Genetics
Classification: Uncertain significance for Inborn genetic diseases. Last evaluated: 2025-06-18. Review status: criteria provided, single submitter. Criteria: Ambry Variant Classification Scheme 2023. Collection method: clinical testing. Allele origin: germline.

Fulgent Genetics
Classification: Uncertain significance for Bardet-Biedl syndrome 9. Last evaluated: 2024-04-25. Review status: criteria provided, single submitter. Criteria: ACMG Guidelines, 2015. Collection method: clinical testing. Allele origin: germline.

Labcorp Genetics (formerly Invitae), Labcorp
Classification: Uncertain significance for Bardet-Biedl syndrome. Last evaluated: 2022-07-06. Review status: criteria provided, single submitter. Criteria: Invitae Variant Classification Sherloc (09022015). Collection method: clinical testing. Allele origin: germline.
Comment: This sequence change replaces isoleucine, which is neutral and non-polar, with methionine, which is neutral and non-polar, at codon 801 of the BBS9 protein (p.Ile801Met). This variant is present in population databases (rs137993290, gnomAD 0.05%). This variant has not been reported in the literature in individuals affected with BBS9-related conditions. ClinVar contains an entry for this variant (Variation ID: 195633). Algorithms developed to predict the effect of missense changes on protein structure and function output the following: SIFT: "Deleterious"; PolyPhen-2: "Benign"; Align-GVGD: "Class C0". The methionine amino acid residue is found in multiple mammalian species, which suggests that this missense change does not adversely affect protein function. In summary, the available evidence is currently insufficient to determine the role of this variant in disease. Therefore, it has been classified as a Variant of Uncertain Significance.

Eurofins Ntd Llc (ga)
Classification: Uncertain significance. Last evaluated: 2014-09-02. Review status: criteria provided, single submitter. Criteria: EGL Classification Definitions 2015. Collection method: clinical testing. Allele origin: germline. Observed: 1 variant allele, 1 heterozygote.

NM_198428.3(BBS9):c.2403A>G (p.Ile801Met)

Gene: BBS9 (Bardet-Biedl syndrome 9; plus strand). Cytogenetic location: 7p14.3.
Variant type: single nucleotide variant.
Coding change: c.2403A>G on transcript NM_198428.3 (MANE Select); coding-DNA position 2403, A replaced by G.
Protein change: p.Ile801Met; replaces isoleucine 801 with methionine.
Molecular consequence: missense variant. On other transcripts: non-coding transcript variant (3).
Genome position (GRCh38, 1-based): chr7:33,534,058, A>G. VCF-style: chr7-33534058-A-G. GRCh37 (hg19) VCF-style: chr7-33573670-A-G.
Other names: c.2298A>G, p.Ile766Met (NM_001033604.2); c.2388A>G, p.Ile796Met (NM_001033605.2); c.2403A>G, p.Ile801Met (NM_001348036.1, NM_001348041.4, NM_001348043.3 and 1 more transcripts); c.1854A>G, p.Ile618Met (NM_001348037.3); c.2130A>G, p.Ile710Met (NM_001348038.3); c.2025A>G, p.Ile675Met (NM_001348039.3); c.2283A>G, p.Ile761Met (NM_001348040.3, NM_014451.4); c.2268A>G, p.Ile756Met (NM_001348042.3); and 2 more; short protein forms I801M, I618M, I644M, I675M, I679M, I710M, I796M, I756M.
Identifiers: ClinVar variation 195633 (VCV000195633.14), dbSNP rs137993290, ClinGen allele CA242116.